The following is an entry in ClinVar:

ClinVar aggregate classification (germline): Conflicting classifications of pathogenicity. Review status: criteria provided, conflicting classifications (1 of 4 stars). 18 submissions from 18 submitters: Uncertain significance (11); Likely benign (4). 3 of the submissions do not count toward it. Last evaluated 2026-09-01.

Conditions:
PALB2-related disorder. Also called: PALB2-related disorders; PALB2-related condition.
Familial cancer of breast. Also called: hereditary breast carcinoma; BREAST CANCER, FAMILIAL; Hereditary breast cancer. Identifiers: Orphanet 227535, MedGen C0346153, MONDO:0016419, OMIM 114480. Disease mechanism: loss of function.
Fanconi anemia complementation group N. Also called: PALB2-Related Fanconi Anemia. Identifiers: Orphanet 84, MedGen C1835817, MONDO:0012565, OMIM 610832. Disease mechanism: loss of function.
Pancreatic cancer, susceptibility to, 3. Identifiers: Orphanet 1333, MedGen C3150547, MONDO:0013236, OMIM 613348.
Hereditary cancer-predisposing syndrome. Also called: Neoplastic Syndromes, Hereditary; Hereditary Cancer Syndrome; Tumor predisposition; Hereditary neoplastic syndrome. Identifiers: Orphanet 140162, MedGen C0027672, MeSH D009386, MONDO:0015356.
Hereditary breast ovarian cancer syndrome. Also called: Hereditary breast and ovarian cancer syndrome; Breast and ovarian cancer; BRCA1- and BRCA2-Associated Hereditary Breast and Ovarian Cancer; Hereditary breast and ovarian cancer; Hereditary breast and ovarian cancer syndrome (HBOC); Hereditary breast and/or ovarian cancer syndrome. Identifiers: Orphanet 145, MedGen C0677776, MeSH D061325, MONDO:0003582. Disease mechanism: loss of function.

Allele frequency attached by ClinVar (database versions not stated): gnomAD 0.00001; TOPMed 0.00002.
gnomAD v4.1: 53 of 1,613,684 alleles (0.0033%); highest among the groups gnomAD compares: East Asian, 0.016%; no homozygotes.

Submissions 1 to 13 of 18:

CeGaT Center for Human Genetics Tuebingen
Classification: Likely benign. Last evaluated: 2026-09-01. Review status: criteria provided, single submitter. Criteria: CeGaT Center For Human Genetics Tuebingen Variant Classification Criteria Version 2. Collection method: clinical testing. Allele origin: germline. Affected: yes. Observed: 3 variant alleles.
Comment: PALB2: BP1, BP4, BP5

Labcorp Genetics (formerly Invitae), Labcorp
Classification: Uncertain significance for Familial cancer of breast. Last evaluated: 2026-01-27. Review status: criteria provided, single submitter. Criteria: Invitae Variant Classification Sherloc (09022015). Collection method: clinical testing. Allele origin: germline.
Comment: This sequence change replaces glutamic acid, which is acidic and polar, with aspartic acid, which is acidic and polar, at codon 105 of the PALB2 protein (p.Glu105Asp). This variant is present in population databases (rs515726108, gnomAD 0.005%). This missense change has been observed in individual(s) with acute lymphoblastic leukemia, breast cancer, ovarian cancer, and/or prostate cancer (PMID: 22241545, 30287823, 30651582, 31214711, 34284872). ClinVar contains an entry for this variant (Variation ID: 126718). An algorithm developed to predict the effect of missense changes on protein structure and function (PolyPhen-2) suggests that this variant is likely to be tolerated. In summary, the available evidence is currently insufficient to determine the role of this variant in disease. Therefore, it has been classified as a Variant of Uncertain Significance.

Ambry Genetics
Classification: Likely benign for Hereditary cancer-predisposing syndrome. Last evaluated: 2025-04-03. Review status: criteria provided, single submitter. Criteria: Ambry Variant Classification Scheme 2023. Collection method: clinical testing. Allele origin: germline.

Center for Genomic Medicine, Rigshospitalet, Copenhagen University Hospital
Classification: Uncertain significance. Last evaluated: 2025-03-04. Review status: criteria provided, single submitter. Criteria: ACMG Guidelines, 2015. Collection method: clinical testing. Allele origin: germline.

Color Diagnostics, LLC DBA Color Health
Classification: Uncertain significance for Hereditary cancer-predisposing syndrome. Last evaluated: 2025-03-04. Review status: criteria provided, single submitter. Criteria: ACMG Guidelines, 2015. Collection method: clinical testing. Allele origin: germline.
Comment: This missense variant replaces glutamic acid with aspartic acid at codon 105 of the PALB2 protein. Computational prediction suggests that this variant may not impact protein structure and function. To our knowledge, functional studies have not been reported for this variant. This variant has been reported in three individuals affected with breast and/or ovarian cancer (PMID: 22241545, 30651582, 37013556) and in an individual affected with childhood-onset leukemia (PMID: 31721781). This variant also has been reported in several cancer case-control studies. In two breast cancer case-control studies, this variant has been detected in 7/7051 female breast cancer cases and 5/11241 unaffected controls (PMID: 30287823) and in 4/60466 cancer cases and 1/53461 unaffected controls (PMID: 33471991; Leiden Open Variation Database DB-ID PALB2_010032). This variant has been detected in 2/1005 pancreatic cancer cases and 6/23705 unaffected individuals (PMID: 32980694) and 2/7636 prostate cancer cases and 1/12366 unaffected individuals (PMID: 31214711). This variant has been identified in 7/282494 chromosomes in the general population by the Genome Aggregation Database (gnomAD). The available evidence is insufficient to determine the role of this variant in disease conclusively. Therefore, this variant is classified as a Variant of Uncertain Significance.

Myriad Genetics, Inc.
Classification: Likely benign for Familial cancer of breast. Last evaluated: 2025-01-10. Review status: criteria provided, single submitter. Criteria: Myriad Autosomal Dominant, Autosomal Recessive and X-Linked Classification Criteria (2023). Collection method: clinical testing. Allele origin: unknown.
Comment: This variant is considered likely benign. This variant is strongly associated with less severe personal and family histories of cancer, typical for individuals without pathogenic variants in this gene [PMID: 25085752].

Department of Pathology and Laboratory Medicine, Sinai Health System
Classification: Likely benign for Hereditary breast ovarian cancer syndrome. Last evaluated: 2024-04-02. Review status: criteria provided, single submitter. Criteria: ACMG Guidelines, 2015. Collection method: clinical testing. Allele origin: germline. Affected: yes.

Quest Diagnostics Nichols Institute San Juan Capistrano
Classification: Uncertain significance. Last evaluated: 2024-01-18. Review status: criteria provided, single submitter. Criteria: Quest Diagnostics criteria. Collection method: clinical testing. Allele origin: unknown.
Comment: The PALB2 c.315G>C (p.Glu105Asp) variant has been reported in the published literature in individuals with breast cancer (PMID: 30651582 (2019), 30287823 (2018), 28779002 (2017), 22241545 (2012)) and/or ovarian cancer (PMID: 30651582 (2019)), as well as multiple reportedly healthy individuals (PMID: 30287823 (2018), 33471991 (2021), see also LOVD). The frequency of this variant in the general population, 0.000039 (5/129074 chromosomes (Genome Aggregation Database)), is uninformative in the assessment of its pathogenicity. Analysis of this variant using bioinformatics tools for the prediction of the effect of amino acid changes on protein structure and function yielded predictions that this variant is benign. Based on the available information, we are unable to determine the clinical significance of this variant.

Women's Health and Genetics/Laboratory Corporation of America, LabCorp
Classification: Uncertain significance. Last evaluated: 2024-01-15. Review status: criteria provided, single submitter. Criteria: LabCorp Variant Classification Summary - May 2015. Collection method: clinical testing. Allele origin: germline.
Comment: Variant summary: PALB2 c.315G>C (p.Glu105Asp) results in a conservative amino acid change in the encoded protein sequence. Four of five in-silico tools predict a benign effect of the variant on protein function. The variant allele was found at a frequency of 2.4e-05 in 251116 control chromosomes (gnomAD). The available data on variant occurrences in the general population are insufficient to allow any conclusion about variant significance. c.315G>C has been reported in the literature in individuals affected with Breast Cancer (e.g., Tischkowitz_2012, Krivokuca_2019), pancreatic cancer (e.g., Mizukami_2020), and ovarian cancer (e.g., Prokofyeva_2023, Krivokuca_2019). Additionally one Japanese case-control association study on 7,051 unselected breast cancer cases and 11,241 female controls showed no association of this variant with breast cancer along with a final assessment as benign (Momozawa_2018); conversely, another Japanese case-control study on 1,005 pancreatic cancer patients and 23,705 controls reported the variant with an odds ratio of 7.9 (95% CI: 0.8-44.1; Mizukami_2020). These reports do not provide unequivocal conclusions about association of the variant with PALB2-associated cancers. To our knowledge, no experimental evidence demonstrating an impact on protein function has been reported. The following publications have been ascertained in the context of this evaluation (PMID: 30651582, 30287823, 22241545, 37013556, 28779002, 32980694). ClinVar contains an entry for this variant (Variation ID: 126718). Based on the evidence outlined above, the variant was classified as uncertain significance.

Blueprint Genetics
Classification: Uncertain significance. Last evaluated: 2023-09-22. Review status: criteria provided, single submitter. Criteria: ACMG Guidelines, 2015. Collection method: clinical testing. Allele origin: germline.

Mayo Clinic Laboratories, Mayo Clinic
Classification: Uncertain significance. Last evaluated: 2023-09-19. Review status: criteria provided, single submitter. Criteria: ACMG Guidelines, 2015. Collection method: clinical testing. Allele origin: germline. Observed: 1 variant allele.
Comment: BP1

Institute for Clinical Genetics, University Hospital TU Dresden, University Hospital TU Dresden
Classification: Uncertain significance. Last evaluated: 2022-12-30. Review status: criteria provided, single submitter. Criteria: ACMG Guidelines, 2015. Collection method: clinical testing. Allele origin: germline.
Comment: PM2_SUP, BP4

Fulgent Genetics
Classification: Uncertain significance for Familial cancer of breast; Fanconi anemia complementation group N; Pancreatic cancer, susceptibility to, 3. Last evaluated: 2022-04-14. Review status: criteria provided, single submitter. Criteria: ACMG Guidelines, 2015. Collection method: clinical testing. Allele origin: unknown.

NM_024675.4(PALB2):c.315G>C (p.Glu105Asp)

Gene: PALB2 (partner and localizer of BRCA2; minus strand). Cytogenetic location: 16p12.2.
Variant type: single nucleotide variant.
Coding change: c.315G>C on transcript NM_024675.4 (MANE Select); coding-DNA position 315, G replaced by C.
Protein change: p.Glu105Asp; replaces glutamic acid 105 with aspartic acid.
Molecular consequence: missense variant.
Genome position (GRCh38, 1-based): chr16:23,636,231, C>G on the plus strand (G>C on the coding strand, the complement: PALB2 is on the minus strand). VCF-style: chr16-23636231-C-G. GRCh37 (hg19) VCF-style: chr16-23647552-C-G.
Other names: p.E105D:GAG>GAC; short protein forms E105D.
Identifiers: ClinVar variation 126718 (VCV000126718.64), dbSNP rs515726108, ClinGen allele CA288463.